The following is an entry in ClinVar:

NM_001252024.2(TRPM1):c.1258T>C (p.Trp420Arg)

Gene: TRPM1 (transient receptor potential cation channel subfamily M member 1; minus strand). Cytogenetic location: 15q13.3.
Variant type: single nucleotide variant.
Coding change: c.1258T>C on transcript NM_001252024.2 (MANE Select); coding-DNA position 1258, T replaced by C.
Protein change: p.Trp420Arg; replaces tryptophan 420 with arginine.
Molecular consequence: missense variant.
Genome position (GRCh38, 1-based): chr15:31,060,549, A>G on the plus strand (T>C on the coding strand, the complement: TRPM1 is on the minus strand). VCF-style: chr15-31060549-A-G. GRCh37 (hg19) VCF-style: chr15-31352752-A-G.
Other names: c.1309T>C, p.Trp437Arg (NM_001252020.2); c.1192T>C, p.Trp398Arg (NM_002420.6); short protein forms W398R, W420R, W437R.
Identifiers: ClinVar variation 1026508 (VCV001026508.9), dbSNP rs906040143, ClinGen allele CA267493662.

ClinVar aggregate classification (germline): Uncertain significance. Review status: criteria provided, multiple submitters, no conflicts (2 of 4 stars). 2 submissions from 2 submitters: Uncertain significance (2). Last evaluated 2022-09-06.

Allele frequency attached by ClinVar (database versions not stated): gnomAD exomes below 0.00001; gnomAD 0.00001; TOPMed 0.00003.
gnomAD v4.1: 6 of 1,613,966 alleles (0.00037%); highest among the groups gnomAD compares: African/African-American, 0.004%; no homozygotes.

Submissions (2):

Labcorp Genetics (formerly Invitae), Labcorp
Classification: Uncertain significance. Last evaluated: 2022-09-06. Review status: criteria provided, single submitter. Criteria: Invitae Variant Classification Sherloc (09022015). Collection method: clinical testing. Allele origin: germline.
Comment: In summary, the available evidence is currently insufficient to determine the role of this variant in disease. Therefore, it has been classified as a Variant of Uncertain Significance. Algorithms developed to predict the effect of missense changes on protein structure and function are either unavailable or do not agree on the potential impact of this missense change (SIFT: "Deleterious"; PolyPhen-2: "Probably Damaging"; Align-GVGD: "Class C0"). ClinVar contains an entry for this variant (Variation ID: 1026508). This variant has not been reported in the literature in individuals affected with TRPM1-related conditions. This variant is present in population databases (no rsID available, gnomAD 0.02%). This sequence change replaces tryptophan, which is neutral and slightly polar, with arginine, which is basic and polar, at codon 398 of the TRPM1 protein (p.Trp398Arg).

Blueprint Genetics
Classification: Uncertain significance. Last evaluated: 2022-04-28. Review status: criteria provided, single submitter. Criteria: ACMG Guidelines, 2015. Collection method: clinical testing. Allele origin: germline.